The following is an entry in ClinVar:

NM_000548.5(TSC2):c.3736G>A (p.Asp1246Asn)

Gene: TSC2 (TSC complex subunit 2; plus strand). Cytogenetic location: 16p13.3.
Variant type: single nucleotide variant.
Coding change: c.3736G>A on transcript NM_000548.5 (MANE Select); coding-DNA position 3736, G replaced by A.
Protein change: p.Asp1246Asn; replaces aspartic acid 1246 with asparagine.
Molecular consequence: missense variant.
Genome position (GRCh38, 1-based): chr16:2,081,720, G>A. VCF-style: chr16-2081720-G-A. GRCh37 (hg19) VCF-style: chr16-2131721-G-A.
Other names: c.3604G>A, p.Asp1202Asn (NM_001077183.3, NM_001370404.1); c.3736G>A, p.Asp1246Asn (NM_001114382.3); c.3496G>A, p.Asp1166Asn (NM_001318827.2); c.3460G>A, p.Asp1154Asn (NM_001318829.2); c.3004G>A, p.Asp1002Asn (NM_001318831.2); c.3637G>A, p.Asp1213Asn (NM_001318832.2); c.3607G>A, p.Asp1203Asn (NM_001363528.2, NM_001370405.1, NM_021055.3); short protein forms D1002N, D1166N, D1202N, D1246N, D1154N, D1203N, D1213N.
Identifiers: ClinVar variation 1364789 (VCV001364789.8), dbSNP rs1596400382, ClinGen allele CA394292953.

ClinVar aggregate classification (germline): Uncertain significance (1 of 4 stars; one submission).

Conditions:
Tuberous sclerosis 2 (TSC2). Identifiers: Orphanet 805, MedGen C1860707, MONDO:0013199, OMIM 613254.

Submission:

Labcorp Genetics (formerly Invitae), Labcorp
Classification: Uncertain significance for Tuberous sclerosis 2. Last evaluated: 2021-06-30. Review status: criteria provided, single submitter. Criteria: Invitae Variant Classification Sherloc (09022015). Collection method: clinical testing. Allele origin: germline.
Comment: This sequence change replaces aspartic acid with asparagine at codon 1246 of the TSC2 protein (p.Asp1246Asn). The aspartic acid residue is weakly conserved and there is a small physicochemical difference between aspartic acid and asparagine. This variant is not present in population databases (ExAC no frequency). This variant has not been reported in the literature in individuals affected with TSC2-related conditions. Advanced modeling of protein sequence and biophysical properties (such as structural, functional, and spatial information, amino acid conservation, physicochemical variation, residue mobility, and thermodynamic stability) performed at Invitae indicates that this missense variant is not expected to disrupt TSC2 protein function. In summary, the available evidence is currently insufficient to determine the role of this variant in disease. Therefore, it has been classified as a Variant of Uncertain Significance.